The following is an entry in ClinVar:

ClinVar aggregate classification (germline): Benign. Review status: criteria provided, multiple submitters, no conflicts (2 of 4 stars). 4 submissions from 4 submitters: Benign (4). Last evaluated 2026-02-04.

Conditions:
Steel syndrome (STLS). Identifiers: Orphanet 438117, MedGen C3554594, MONDO:0014061, OMIM 615155.

Allele frequency attached by ClinVar (database versions not stated): ESP Exome Variant Server 0.00008; gnomAD 0.00053 and 0.00078; gnomAD exomes 0.00071 and 0.00214; TOPMed 0.00083; ExAC 0.00207; 1000 Genomes Project 30x 0.00297; 1000 Genomes Project 0.00319.
gnomAD v4.1: 1,194 of 1,610,466 alleles (0.074%); highest among the groups gnomAD compares: East Asian, 1.8%; 10 homozygotes.

Submissions (4):

Labcorp Genetics (formerly Invitae), Labcorp
Classification: Benign. Last evaluated: 2026-02-04. Review status: criteria provided, single submitter. Criteria: Invitae Variant Classification Sherloc (09022015). Collection method: clinical testing. Allele origin: germline.

CeGaT Center for Human Genetics Tuebingen
Classification: Benign. Last evaluated: 2023-06-01. Review status: criteria provided, single submitter. Criteria: CeGaT Center For Human Genetics Tuebingen Variant Classification Criteria Version 2. Collection method: clinical testing. Allele origin: germline. Affected: yes. Observed: 1 variant allele.
Comment: COL27A1: BS1, BS2

Fulgent Genetics
Classification: Benign for Steel syndrome. Last evaluated: 2022-04-12. Review status: criteria provided, single submitter. Criteria: ACMG Guidelines, 2015. Collection method: clinical testing. Allele origin: unknown.

Breakthrough Genomics
Classification: Benign. Review status: criteria provided, single submitter. Criteria: ACMG Guidelines, 2015. Collection method: not provided. Allele origin: germline. Inheritance: Autosomal recessive inheritance. Affected: yes.

NM_032888.4(COL27A1):c.4066G>C (p.Asp1356His)

Genes: COL27A1 (collagen type XXVII alpha 1 chain; plus strand), LOC126860736 (MED14-independent group 3 enhancer GRCh37_chr9:117050487-117051686; plus strand). Cytogenetic location: 9q32.
Variant type: single nucleotide variant.
Coding change: c.4066G>C on transcript NM_032888.4 (MANE Select); coding-DNA position 4066, G replaced by C.
Protein change: p.Asp1356His; replaces aspartic acid 1356 with histidine.
Molecular consequence: missense variant.
Genome position (GRCh38, 1-based): chr9:114,288,723, G>C. VCF-style: chr9-114288723-G-C. GRCh37 (hg19) VCF-style: chr9-117051003-G-C.
Other names: short protein forms D1356H.
Identifiers: ClinVar variation 725753 (VCV000725753.37), dbSNP rs149434700, ClinGen allele CA5202763.